The following is an entry in ClinVar:

ClinVar aggregate classification (germline): Pathogenic/Likely pathogenic. Review status: criteria provided, multiple submitters, no conflicts (2 of 4 stars). 6 submissions from 6 submitters: Pathogenic (3); Likely pathogenic (3). Last evaluated 2025-11-23.

Conditions:
OPA1-related disorder. Also called: OPA1-related condition; OPA1-related disorders.

Allele frequency attached by ClinVar (database versions not stated): TOPMed below 0.00001.

Submissions (6):

Labcorp Genetics (formerly Invitae), Labcorp
Classification: Pathogenic. Last evaluated: 2025-11-23. Review status: criteria provided, single submitter. Criteria: Invitae Variant Classification Sherloc (09022015). Collection method: clinical testing. Allele origin: germline.
Comment: This sequence change affects a donor splice site in intron 24 of the OPA1 gene. It is expected to disrupt RNA splicing. Variants that disrupt the donor or acceptor splice site typically lead to a loss of protein function (PMID: 16199547), and loss-of-function variants in OPA1 are known to be pathogenic (PMID: 11440988, 20157015, 20952381, 25012220). This variant is not present in population databases (gnomAD no frequency). Disruption of this splice site has been observed in individuals with clinical features of autosomal dominant optic atrophy (PMID: 19319978, 35273349; internal data). ClinVar contains an entry for this variant (Variation ID: 195831). Algorithms developed to predict the effect of sequence changes on RNA splicing suggest that this variant may disrupt the consensus splice site. For these reasons, this variant has been classified as Pathogenic.

GeneDx
Classification: Likely pathogenic. Last evaluated: 2025-05-02. Review status: criteria provided, single submitter. Criteria: GeneDx Variant Classification Process June 2021. Collection method: clinical testing. Allele origin: germline. Affected: yes.
Comment: Canonical splice site variant predicted to result in an in-frame loss of the adjacent exon in a gene for which loss of function is a known mechanism of disease; Not observed at significant frequency in large population cohorts (gnomAD); This variant is associated with the following publications: (PMID: 25525159, 30294255, 19319978, 33477675, 26738566, 34177786, 34629400, 35652445, 39000346)

Athena Diagnostics
Classification: Likely pathogenic. Last evaluated: 2025-02-18. Review status: criteria provided, single submitter. Criteria: Athena Diagnostics Criteria. Collection method: clinical testing. Allele origin: unknown.
Comment: This variant has not been reported in large, multi-ethnic general populations. The splice effect of this variant is predicted to result in in-frame exon skipping. However, similar variants in this region have been associated with disease, and therefore, this variant is also expected to associate with disease. This variant has been identified in at least one individual with clinical features associated with optic atrophy.

Women's Health and Genetics/Laboratory Corporation of America, LabCorp
Classification: Likely pathogenic for OPA1-Related Disorders. Last evaluated: 2022-04-28. Review status: criteria provided, single submitter. Criteria: LabCorp Variant Classification Summary - May 2015. Collection method: clinical testing. Allele origin: germline.
Comment: Variant summary: OPA1 c.2496+1G>T is located in a canonical splice-site and is predicted to affect mRNA splicing resulting in a significantly altered protein due to either exon skipping, shortening, or inclusion of intronic material. Several computational tools predict a significant impact on normal splicing: Two predict the variant abolishes a 5' splicing donor site. However, these predictions have yet to be confirmed by functional studies. The variant was absent in 251036 control chromosomes (gnomAD). c.2496+1G>T has been reported in the literature in individuals affected with OPA1-Related Disorders (Ferre_2009, Chen_2016). These data indicate that the variant may be associated with disease. In one publication, the investigators derived induced pluripotent stem cells (iPSCs) from patients diagnosed with Optic Atrophy who were heterozygous for the variant of interest. The authors found that iPSCs carrying the variant had higher rates of cell death compared to wildtype, and failed to differentiate into retinal ganglion cells (RGCs, Chen_2016), indicating the variant significantly alters normal cellular differentiation and survival. Three ClinVar submitters have assessed the variant since 2014: one classified the variant as pathogenic and two as likely pathogenic. Based on the evidence outlined above, the variant was classified as likely pathogenic.

Blueprint Genetics
Classification: Pathogenic for OPA1-related disorders. Last evaluated: 2021-04-13. Review status: criteria provided, single submitter. Criteria: ACMG Guidelines, 2015. Collection method: clinical testing. Allele origin: germline. Affected: yes. Observed: 1 variant allele.

Eurofins Ntd Llc (ga)
Classification: Pathogenic. Last evaluated: 2017-09-28. Review status: criteria provided, single submitter. Criteria: EGL Classification Definitions 2015. Collection method: clinical testing. Allele origin: germline. Observed: 2 variant alleles, 2 heterozygotes.

Literature cited by the submitters: PubMed 16199547 (cited by Labcorp Genetics (formerly Invitae), Labcorp); PubMed 11440988 (cited by Labcorp Genetics (formerly Invitae), Labcorp); PubMed 20157015 (cited by Labcorp Genetics (formerly Invitae), Labcorp); PubMed 20952381 (cited by Labcorp Genetics (formerly Invitae), Labcorp); PubMed 25012220 (cited by Labcorp Genetics (formerly Invitae), Labcorp); PubMed 19319978 (cited by 3 submitters); PubMed 35273349 (cited by Labcorp Genetics (formerly Invitae), Labcorp); PubMed 26738566 (cited by Athena Diagnostics and Women's Health and Genetics/Laboratory Corporation of America, LabCorp).

NM_130837.3(OPA1):c.2661+1G>T

Gene: OPA1 (OPA1 mitochondrial dynamin like GTPase; plus strand). Cytogenetic location: 3q29.
Variant type: single nucleotide variant.
Coding change: c.2661+1G>T on transcript NM_130837.3 (MANE Select); the canonical splice donor site of the intron after coding-DNA position 2661, G replaced by T.
Molecular consequence: splice donor variant.
Genome position (GRCh38, 1-based): chr3:193,662,963, G>T. VCF-style: chr3-193662963-G-T. GRCh37 (hg19) VCF-style: chr3-193380752-G-T.
Other names: c.2124+1G>T (NM_001354664.2); c.2127+1G>T (NM_001354663.2); c.2550+1G>T (NM_130834.3); c.2607+1G>T (NM_130836.3); c.2496+1G>T (NM_015560.3); c.2553+1G>T (NM_130835.3); c.2442+1G>T (NM_130832.3); c.2499+1G>T (NM_130833.3); and 1 more.
Identifiers: ClinVar variation 195831 (VCV000195831.18), dbSNP rs794727392, ClinGen allele CA275121.